The following is an entry in ClinVar:

NM_004562.3(PRKN):c.686T>C (p.Ile229Thr)

Gene: PRKN (parkin RBR E3 ubiquitin protein ligase; minus strand). Cytogenetic location: 6q26.
Variant type: single nucleotide variant.
Coding change: c.686T>C on transcript NM_004562.3 (MANE Select); coding-DNA position 686, T replaced by C.
Protein change: p.Ile229Thr; replaces isoleucine 229 with threonine.
Molecular consequence: missense variant.
Genome position (GRCh38, 1-based): chr6:161,973,350, A>G on the plus strand (T>C on the coding strand, the complement: PRKN is on the minus strand). VCF-style: chr6-161973350-A-G. GRCh37 (hg19) VCF-style: chr6-162394382-A-G.
Other names: c.602T>C, p.Ile201Thr (NM_013987.3); c.239T>C, p.Ile80Thr (NM_013988.3); short protein forms I229T, I80T, I201T.
Identifiers: ClinVar variation 579186 (VCV000579186.9), dbSNP rs1562430302, ClinGen allele CA366466880.

ClinVar aggregate classification (germline): Uncertain significance (1 of 4 stars; one submission).

Allele frequency attached by ClinVar (database versions not stated): gnomAD exomes below 0.00001.
gnomAD v4.1: 2 of 1,614,030 alleles (0.00012%); highest among the groups gnomAD compares: Non-Finnish European, 0.000085%; no homozygotes.

Submission:

Labcorp Genetics (formerly Invitae), Labcorp
Classification: Uncertain significance. Last evaluated: 2018-04-11. Review status: criteria provided, single submitter. Criteria: Invitae Variant Classification Sherloc (09022015). Collection method: clinical testing. Allele origin: germline.
Comment: In summary, the available evidence is currently insufficient to determine the role of this variant in disease. Therefore, it has been classified as a Variant of Uncertain Significance. Algorithms developed to predict the effect of missense changes on protein structure and function do not agree on the potential impact of this missense change (SIFT: "Deleterious"; PolyPhen-2: "Benign"; Align-GVGD: "Class C0"). This variant has not been reported in the literature in individuals with PARK2-related disease. This variant is not present in population databases (ExAC no frequency). This sequence change replaces isoleucine with threonine at codon 229 of the PARK2 protein (p.Ile229Thr). The isoleucine residue is moderately conserved and there is a moderate physicochemical difference between isoleucine and threonine.